The following is an entry in ClinVar:

ClinVar aggregate classification (germline): Uncertain significance (1 of 4 stars; one submission).

Submission:

Dasa
Classification: Uncertain significance. Last evaluated: 2024-12-06. Review status: criteria provided, single submitter. Criteria: DASA Assertion Criteria. Collection method: clinical testing. Allele origin: germline.
Comment: NM_014159.7(SETD2):c.2729C>T (p.Ala910Val) is a missense variant that results in the substitution of alanine with valine. This variant is absent from population databases. Computational prediction algorithms are consistent with a benign effect. The currently available literature and clinical evidence are not sufficient to establish a definitive association between this variant and the reported condition. Therefore, this variant is classified as a variant of uncertain significance.

NM_014159.7(SETD2):c.2729C>T (p.Ala910Val)

Gene: SETD2 (SET domain containing 2, histone lysine methyltransferase; minus strand). Cytogenetic location: 3p21.31.
Variant type: single nucleotide variant.
Coding change: c.2729C>T on transcript NM_014159.7 (MANE Select); coding-DNA position 2729, C replaced by T.
Protein change: p.Ala910Val; replaces alanine 910 with valine.
Molecular consequence: missense variant. On other transcripts: non-coding transcript variant (1).
Genome position (GRCh38, 1-based): chr3:47,121,907, G>A on the plus strand (C>T on the coding strand, the complement: SETD2 is on the minus strand). VCF-style: chr3-47121907-G-A. GRCh37 (hg19) VCF-style: chr3-47163397-G-A.
Other names: c.2597C>T, p.Ala866Val (NM_001349370.3); short protein forms A866V, A910V.
Identifiers: ClinVar variation 4882212 (VCV004882212.2).
Genomic context (GRCh38, chr3:47,121,907, plus strand): 5'-ACTATTGTTTCTTTCCCTGCATGCTTTAAAAACTCTGAACTTTTTTTACTCTTTAGCACT[G>A]CATCCAGAACTGGAGATGTGTTCTCTCCGCATTTCAAGAGAGTTAGACTGTCCACCTTTA-3'
Protein context (NP_054878.5, residues 900-920): CGENTSPVLD[Ala910Val]VLKSKKSSEF